The following is an entry in ClinVar:

NM_003803.4(MYOM1):c.125G>T (p.Gly42Val)

Gene: MYOM1 (myomesin 1; minus strand). Cytogenetic location: 18p11.31.
Variant type: single nucleotide variant.
Coding change: c.125G>T on transcript NM_003803.4 (MANE Select); coding-DNA position 125, G replaced by T.
Protein change: p.Gly42Val; replaces glycine 42 with valine.
Molecular consequence: missense variant.
Genome position (GRCh38, 1-based): chr18:3,215,099, C>A on the plus strand (G>T on the coding strand, the complement: MYOM1 is on the minus strand). VCF-style: chr18-3215099-C-A. GRCh37 (hg19) VCF-style: chr18-3215097-C-A.
Other names: c.125G>T, p.Gly42Val (NM_019856.2); short protein forms G42V.
Identifiers: ClinVar variation 1496189 (VCV001496189.12), dbSNP rs373243051, ClinGen allele CA8875352.

ClinVar aggregate classification (germline): Uncertain significance. Review status: criteria provided, multiple submitters, no conflicts (2 of 4 stars). 2 submissions from 2 submitters: Uncertain significance (2). Last evaluated 2026-01-15.

Conditions:
Hypertrophic cardiomyopathy. Also called: HYPERTROPHIC MYOCARDIOPATHY. Identifiers: Orphanet 217569, MedGen C0007194, MeSH D002312, MONDO:0005045, HP:0001639.

Allele frequency attached by ClinVar (database versions not stated): gnomAD exomes 0.00001 and 0.00003; ExAC 0.00004; ESP Exome Variant Server 0.00008; gnomAD 0.00011 and 0.00012; TOPMed 0.00012.

Submissions (2):

Labcorp Genetics (formerly Invitae), Labcorp
Classification: Uncertain significance for Hypertrophic cardiomyopathy. Last evaluated: 2026-01-15. Review status: criteria provided, single submitter. Criteria: Invitae Variant Classification Sherloc (09022015). Collection method: clinical testing. Allele origin: germline.
Comment: This sequence change replaces glycine, which is neutral and non-polar, with valine, which is neutral and non-polar, at codon 42 of the MYOM1 protein (p.Gly42Val). This variant is present in population databases (rs373243051, gnomAD 0.03%). This variant has not been reported in the literature in individuals affected with MYOM1-related conditions. ClinVar contains an entry for this variant (Variation ID: 1496189). An algorithm developed to predict the effect of missense changes on protein structure and function (PolyPhen-2) suggests that this variant is likely to be tolerated. In summary, the available evidence is currently insufficient to determine the role of this variant in disease. Therefore, it has been classified as a Variant of Uncertain Significance.

Ambry Genetics
Classification: Uncertain significance. Last evaluated: 2025-12-09. Review status: criteria provided, single submitter. Criteria: Ambry Variant Classification Scheme 2023. Collection method: clinical testing. Allele origin: germline.